The following is an entry in ClinVar:

ClinVar aggregate classification (germline): Uncertain significance (1 of 4 stars; one submission).

Conditions:
X-linked intellectual disability, van Esch type. Also called: MENTAL RETARDATION, X-LINKED, SYNDROMIC, VAN ESCH-O''DRISCOLL TYPE; Van Esch-O'Driscoll syndrome. Identifiers: Orphanet 163976, MedGen C4305072, MONDO:0015601, OMIM 301030.
X-linked reticulate pigmentary disorder. Also called: Pigmentary disorder, reticulate, with systemic manifestations, X-linked. Identifiers: Orphanet 85453, MedGen C1845050, MONDO:0010523, OMIM 301220.

gnomAD v4.1: 2 of 1,199,017 alleles (0.00017%); highest among the groups gnomAD compares: Non-Finnish European, 0.00011%; no homozygotes.

Submissions (2):

Juno Genomics, Hangzhou Juno Genomics, Inc
Classification: Uncertain significance for X-linked reticulate pigmentary disorder; X-linked intellectual disability, van Esch type. Review status: criteria provided, single submitter. Criteria: ACMG Guidelines, 2015. Collection method: clinical testing. Allele origin: germline.
Comment: Absent from controls (or at extremely low frequency if recessive) in Genome Aggregation Database.;Multiple lines of computational evidence support a deleterious effect on the gene or gene product.

Dr. Peter K. Rogan Lab, Western University
No classification provided (evidence only). Condition: Nonpapillary renal cell carcinoma. Review status: no classification provided. Collection method: in vitro. Allele origin: not applicable. Functional consequence: retained intron. Not counted in ClinVar's aggregate classification.

NM_001330360.2(POLA1):c.1730A>G (p.Asp577Gly)

Gene: POLA1 (DNA polymerase alpha 1, catalytic subunit; plus strand). Cytogenetic location: Xp22.11.
Variant type: single nucleotide variant.
Coding change: c.1730A>G on transcript NM_001330360.2 (MANE Select); coding-DNA position 1730, A replaced by G.
Protein change: p.Asp577Gly; replaces aspartic acid 577 with glycine.
Molecular consequence: missense variant. On other transcripts: non-coding transcript variant (2).
Genome position (GRCh38, 1-based): chrX:24,732,413, A>G. VCF-style: chrX-24732413-A-G. GRCh37 (hg19) VCF-style: chrX-24750530-A-G.
Other names: NC_000023.10:g.24750530A>G; c.1655A>G, p.Asp552Gly (NM_001378303.1); c.1730A>G, p.Asp577Gly (NM_001440806.1); c.1712A>G, p.Asp571Gly (NM_016937.4); short protein forms D571G, D552G, D577G.
Identifiers: ClinVar variation 4485945 (VCV004485945.3).
Genomic context (GRCh38, chrX:24,732,413, plus strand): 5'-TCCTCCTTTCTTTGCAGATTATTGCTATGGCAGCTTTGGTCCATCACAGTTTTGCATTGG[A>G]TAAAGCAGCCCCAAAGCCTCCCTTTCAGTCACACTTCTGTGGTATGTATTTTTTTTTAAG-3'
Protein context (NP_001317289.1, residues 567-587): AALVHHSFAL[Asp577Gly]KAAPKPPFQS